The following is an entry in ClinVar:

ClinVar aggregate classification (germline): Conflicting classifications of pathogenicity. Review status: criteria provided, conflicting classifications (1 of 4 stars). 4 submissions from 4 submitters: Uncertain significance (3); Likely benign (1). Last evaluated 2025-05-06.

Conditions:
Epidermolysis bullosa simplex, Ogna type (EBS5A). Also called: Pidermolysis bullosa simplex 5A, Ogna type; EPIDERMOLYSIS BULLOSA SIMPLEX 5A, OGNA TYPE. Identifiers: Orphanet 79401, MedGen C0432317, MONDO:0007555, OMIM 131950.
Epidermolysis bullosa simplex 5C, with pyloric atresia (EBS5C). Also called: PLEC1-Related Epidermolysis Bullosa with Pyloric Atresia; PLEC-Related Epidermolysis Bullosa with Pyloric Atresia; Epidermolysis bullosa simplex with pyloric atresia. Identifiers: Orphanet 158684, MedGen C2677349, MONDO:0012807, OMIM 612138.
Autosomal recessive limb-girdle muscular dystrophy type 2Q (LGMDR17). Also called: MUSCULAR DYSTROPHY, LIMB-GIRDLE, AUTOSOMAL RECESSIVE 17. Identifiers: Orphanet 254361, MedGen C3150989, MONDO:0013390, OMIM 613723.
Epidermolysis bullosa simplex with nail dystrophy (EBS5D). Identifiers: MedGen C4225309, MONDO:0014661, OMIM 616487.
Epidermolysis bullosa simplex 5B, with muscular dystrophy (EBS5B). Also called: Epidermolysis bullosa simplex with muscular dystrophy; EPIDERMOLYSIS BULLOSA SIMPLEX AND LIMB-GIRDLE MUSCULAR DYSTROPHY. Identifiers: Orphanet 257, MedGen C2931072, MONDO:0009181, OMIM 226670.
Inborn genetic diseases. Identifiers: MedGen C0950123, MeSH D030342.

Allele frequency attached by ClinVar (database versions not stated): gnomAD 0.00005 and 0.00006; ExAC 0.00002; gnomAD exomes 0.00003; TOPMed 0.00004.
gnomAD v4.1: 32 of 1,577,428 alleles (0.002%); highest among the groups gnomAD compares: Admixed American, 0.014%; no homozygotes.

Submissions (4):

Ambry Genetics
Classification: Uncertain significance for Inborn genetic diseases. Last evaluated: 2025-05-06. Review status: criteria provided, single submitter. Criteria: Ambry Variant Classification Scheme 2023. Collection method: clinical testing. Allele origin: germline.

Labcorp Genetics (formerly Invitae), Labcorp
Classification: Uncertain significance for Autosomal recessive limb-girdle muscular dystrophy type 2Q; Epidermolysis bullosa simplex, Ogna type; Epidermolysis bullosa simplex with nail dystrophy; Epidermolysis bullosa simplex 5C, with pyloric atresia; Epidermolysis bullosa simplex 5B, with muscular dystrophy. Last evaluated: 2025-01-25. Review status: criteria provided, single submitter. Criteria: Invitae Variant Classification Sherloc (09022015). Collection method: clinical testing. Allele origin: germline.
Comment: This sequence change replaces aspartic acid, which is acidic and polar, with asparagine, which is neutral and polar, at codon 3895 of the PLEC protein (p.Asp3895Asn). This variant is present in population databases (rs782028739, gnomAD 0.008%). This variant has not been reported in the literature in individuals affected with PLEC-related conditions. ClinVar contains an entry for this variant (Variation ID: 854191). An algorithm developed to predict the effect of missense changes on protein structure and function (PolyPhen-2) suggests that this variant is likely to be disruptive. In summary, the available evidence is currently insufficient to determine the role of this variant in disease. Therefore, it has been classified as a Variant of Uncertain Significance.

CeGaT Center for Human Genetics Tuebingen
Classification: Likely benign. Last evaluated: 2022-10-01. Review status: criteria provided, single submitter. Criteria: CeGaT Center For Human Genetics Tuebingen Variant Classification Criteria Version 2. Collection method: clinical testing. Allele origin: germline. Affected: yes. Observed: 1 variant allele.
Comment: PLEC: BP4

Revvity Omics, Revvity
Classification: Uncertain significance. Last evaluated: 2019-10-30. Review status: criteria provided, single submitter. Criteria: ACMG Guidelines, 2015. Collection method: clinical testing. Allele origin: germline.

NM_201384.3(PLEC):c.11602G>A (p.Asp3868Asn)

Gene: PLEC (plectin; minus strand). Cytogenetic location: 8q24.3.
Variant type: single nucleotide variant.
Coding change: c.11602G>A on transcript NM_201384.3 (MANE Select); coding-DNA position 11602, G replaced by A.
Protein change: p.Asp3868Asn; replaces aspartic acid 3868 with asparagine.
Molecular consequence: missense variant.
Genome position (GRCh38, 1-based): chr8:143,918,219, C>T on the plus strand (G>A on the coding strand, the complement: PLEC is on the minus strand). VCF-style: chr8-143918219-C-T. GRCh37 (hg19) VCF-style: chr8-144992387-C-T.
Other names: c.11683G>A, p.Asp3895Asn (NM_000445.5); c.11560G>A, p.Asp3854Asn (NM_201378.4); c.11536G>A, p.Asp3846Asn (NM_201379.3); c.12013G>A, p.Asp4005Asn (NM_201380.4); c.11506G>A, p.Asp3836Asn (NM_201381.3); c.11602G>A, p.Asp3868Asn (NM_201382.4); c.11614G>A, p.Asp3872Asn (NM_201383.3); c.11683G>A (NM_000445.3); short protein forms D3836N, D3846N, D3854N, D3868N, D3895N, D4005N, D3872N.
Identifiers: ClinVar variation 854191 (VCV000854191.36), dbSNP rs782028739, ClinGen allele CA4924298.